The following is an entry in ClinVar:

ClinVar aggregate classification (germline): Benign. Review status: criteria provided, multiple submitters, no conflicts (2 of 4 stars). 2 submissions from 2 submitters: Benign (2). Last evaluated 2018-01-13.

Conditions:
Immunodeficiency 51 (IMD51). Also called: CANDIDIASIS, FAMILIAL, 5. Identifiers: Orphanet 1334, MedGen C4310803, MONDO:0013500, OMIM 613953.

Allele frequency attached by ClinVar (database versions not stated): gnomAD 0.01864 and 0.01925; TOPMed 0.02240; 1000 Genomes Project 30x 0.04107; 1000 Genomes Project 0.04153.

Submissions (2):

Illumina Laboratory Services, Illumina
Classification: Benign for Immunodeficiency 51. Last evaluated: 2018-01-13. Review status: criteria provided, single submitter. Criteria: ICSL Variant Classification Criteria 13 December 2019. Collection method: clinical testing. Allele origin: germline.
Comment: This variant was observed in the ICSL laboratory as part of a predisposition screen in an ostensibly healthy population. It had not been previously curated by ICSL or reported in the Human Gene Mutation Database (HGMD: prior to June 1st, 2018), and was therefore a candidate for classification through an automated scoring system. Utilizing variant allele frequency, disease prevalence and penetrance estimates, and inheritance mode, an automated score was calculated to assess if this variant is too frequent to cause the disease. Based on the score and internal cut-off values, a variant classified as benign is not then subjected to further curation. The score for this variant resulted in a classification of benign for this disease.

Breakthrough Genomics
Classification: Benign. Review status: criteria provided, single submitter. Criteria: ACMG Guidelines, 2015. Collection method: not provided. Allele origin: germline. Inheritance: Autosomal recessive inheritance. Affected: yes.

NM_014339.7(IL17RA):c.*5256C>T

Gene: IL17RA (interleukin 17 receptor A; plus strand). Cytogenetic location: 22q11.1.
Variant type: single nucleotide variant.
Coding change: c.*5256C>T on transcript NM_014339.7 (MANE Select); 5256 bases downstream of the stop codon, C replaced by T.
Molecular consequence: 3 prime UTR variant.
Genome position (GRCh38, 1-based): chr22:17,115,076, C>T. VCF-style: chr22-17115076-C-T. GRCh37 (hg19) VCF-style: chr22-17595966-C-T.
Other names: c.*5256C>T (NM_001289905.2).
Identifiers: ClinVar variation 340727 (VCV000340727.6), dbSNP rs1003944, ClinGen allele CA10650841.